The following is an entry in ClinVar:

ClinVar aggregate classification (germline): Conflicting classifications of pathogenicity. Review status: criteria provided, conflicting classifications (1 of 4 stars). 3 submissions from 3 submitters: Uncertain significance (1); Likely benign (2). Last evaluated 2025-04-23.

Conditions:
Cardiovascular phenotype. Identifiers: MedGen CN230736.
Dilated cardiomyopathy 1JJ (CMD1JJ). Identifiers: Orphanet 154, MedGen C3808935, MONDO:0014095, OMIM 615235.

Allele frequency attached by ClinVar (database versions not stated): gnomAD exomes below 0.00001 and 0.00005; TOPMed below 0.00001; gnomAD 0.00001.
gnomAD v4.1: 71 of 1,592,246 alleles (0.0045%); highest among the groups gnomAD compares: Non-Finnish European, 0.0059%; no homozygotes.

Submissions (3):

Women's Health and Genetics/Laboratory Corporation of America, LabCorp
Classification: Likely benign. Last evaluated: 2025-04-23. Review status: criteria provided, single submitter. Criteria: LabCorp Variant Classification Summary - May 2015. Collection method: clinical testing. Allele origin: germline.
Comment: Variant summary: LAMA4 c.1960-5T>C alters a non-conserved nucleotide located at a position not widely known to affect splicing. Consensus agreement among computation tools predict no significant impact on normal splicing. However, these predictions have yet to be confirmed by functional studies. The variant allele was found at a frequency of 4e-06 in 250770 control chromosomes. The available data on variant occurrences in the general population are insufficient to allow any conclusion about variant significance. To our knowledge, no occurrence of c.1960-5T>C in individuals affected with Cardiomyopathy and no experimental evidence demonstrating its impact on protein function have been reported. ClinVar contains an entry for this variant (Variation ID: 1596134). Based on the evidence outlined above, the variant was classified as likely benign.

Ambry Genetics
Classification: Uncertain significance for Cardiovascular phenotype. Last evaluated: 2023-11-16. Review status: criteria provided, single submitter. Criteria: Ambry Variant Classification Scheme 2023. Collection method: clinical testing. Allele origin: germline.
Comment: The c.1939-5T>C intronic variant results from a T to C substitution 5 nucleotides upstream from coding exon 15 in the LAMA4 gene. This nucleotide position is well conserved in available vertebrate species. In silico splice site analysis predicts that this alteration will not have any significant effect on splicing. The evidence for this gene-disease relationship is limited; therefore, the clinical significance of this alteration is unclear.

Labcorp Genetics (formerly Invitae), Labcorp
Classification: Likely benign for Dilated cardiomyopathy 1JJ. Last evaluated: 2022-06-27. Review status: criteria provided, single submitter. Criteria: Invitae Variant Classification Sherloc (09022015). Collection method: clinical testing. Allele origin: germline.

NM_001105206.3(LAMA4):c.1960-5T>C

Gene: LAMA4 (laminin subunit alpha 4; minus strand). Cytogenetic location: 6q21.
Variant type: single nucleotide variant.
Coding change: c.1960-5T>C on transcript NM_001105206.3 (MANE Select); 5 bases into the intron before coding-DNA position 1960, T replaced by C.
Molecular consequence: intron variant.
Genome position (GRCh38, 1-based): chr6:112,154,952, A>G on the plus strand (T>C on the coding strand, the complement: LAMA4 is on the minus strand). VCF-style: chr6-112154952-A-G. GRCh37 (hg19) VCF-style: chr6-112476154-A-G.
Other names: c.1939-5T>C (NM_002290.3, NM_002290.5, NM_001105207.3).
Identifiers: ClinVar variation 1596134 (VCV001596134.13), dbSNP rs1163672028, ClinGen allele CA569671337.
Genomic context (GRCh38, chr6:112,154,952, plus strand): 5'-AGGTTCTCACTTTCATCTTTATGGTAAATGATTTGAGTATCAATCCCACTCACCGCCTAC[A>G]AAGGAATTGAGAGAAGAGGGTAAAAATGACAGCAGAAGAAATCAGCTATTCATAGTTGAA-3'